The following is an entry in ClinVar:

ClinVar aggregate classification (germline): Pathogenic (1 of 4 stars; one submission).

Submission:

Labcorp Genetics (formerly Invitae), Labcorp
Classification: Pathogenic. Last evaluated: 2023-10-06. Review status: criteria provided, single submitter. Criteria: Invitae Variant Classification Sherloc (09022015). Collection method: clinical testing. Allele origin: germline.
Comment: This sequence change creates a premature translational stop signal (p.Gln1185*) in the COL4A4 gene. It is expected to result in an absent or disrupted protein product. Loss-of-function variants in COL4A4 are known to be pathogenic (PMID: 21196518, 24854265, 25307543). This variant is not present in population databases (gnomAD no frequency). This variant has not been reported in the literature in individuals affected with COL4A4-related conditions. For these reasons, this variant has been classified as Pathogenic.

Literature cited by the submitters: PubMed 21196518; PubMed 24854265; PubMed 25307543.

NM_000092.5(COL4A4):c.3553C>T (p.Gln1185Ter)

Gene: COL4A4 (collagen type IV alpha 4 chain; minus strand). Cytogenetic location: 2q36.3.
Variant type: single nucleotide variant.
Coding change: c.3553C>T on transcript NM_000092.5 (MANE Select); coding-DNA position 3553, C replaced by T.
Protein change: p.Gln1185Ter; replaces glutamine 1185 with a stop codon.
Molecular consequence: nonsense.
Genome position (GRCh38, 1-based): chr2:227,033,434, G>A on the plus strand (C>T on the coding strand, the complement: COL4A4 is on the minus strand). VCF-style: chr2-227033434-G-A. GRCh37 (hg19) VCF-style: chr2-227898150-G-A.
Other names: short protein forms Q1185*.
Identifiers: ClinVar variation 2764716 (VCV002764716.3), dbSNP rs2473397427, ClinGen allele CA350838037.